The following is an entry in ClinVar:

NM_014915.3(ANKRD26):c.1111G>A (p.Glu371Lys)

Gene: ANKRD26 (ankyrin repeat domain 26; minus strand). Cytogenetic location: 10p12.1.
Variant type: single nucleotide variant.
Coding change: c.1111G>A on transcript NM_014915.3 (MANE Select); coding-DNA position 1111, G replaced by A.
Protein change: p.Glu371Lys; replaces glutamic acid 371 with lysine.
Molecular consequence: missense variant.
Genome position (GRCh38, 1-based): chr10:27,067,253, C>T on the plus strand (G>A on the coding strand, the complement: ANKRD26 is on the minus strand). VCF-style: chr10-27067253-C-T. GRCh37 (hg19) VCF-style: chr10-27356182-C-T.
Other names: c.1111G>A, p.Glu371Lys (NM_001256053.2); short protein forms E371K.
Identifiers: ClinVar variation 4726015 (VCV004726015.2).

ClinVar aggregate classification (germline): Uncertain significance. Review status: criteria provided, multiple submitters, no conflicts (2 of 4 stars). 2 submissions from 2 submitters: Uncertain significance (2). Last evaluated 2026-04-10.

Conditions:
Inborn genetic diseases. Identifiers: MedGen C0950123, MeSH D030342.

Submissions (2):

Ambry Genetics
Classification: Uncertain significance for Inborn genetic diseases. Last evaluated: 2026-04-10. Review status: criteria provided, single submitter. Criteria: Ambry Variant Classification Scheme 2023. Collection method: clinical testing. Allele origin: germline.
Comment: The p.E371K variant (also known as c.1111G>A), located in coding exon 10 of the ANKRD26 gene, results from a G to A substitution at nucleotide position 1111. The glutamic acid at codon 371 is replaced by lysine, an amino acid with similar properties. This amino acid position is conserved. In addition, this alteration is predicted to be tolerated by in silico analysis. Based on the available evidence, the clinical significance of this variant remains unclear.

Labcorp Genetics (formerly Invitae), Labcorp
Classification: Uncertain significance. Last evaluated: 2025-08-25. Review status: criteria provided, single submitter. Criteria: Invitae Variant Classification Sherloc (09022015). Collection method: clinical testing. Allele origin: germline.
Comment: This sequence change replaces glutamic acid, which is acidic and polar, with lysine, which is basic and polar, at codon 371 of the ANKRD26 protein (p.Glu371Lys). This variant is present in population databases (no rsID available, gnomAD 0.005%). This variant has not been reported in the literature in individuals affected with ANKRD26-related conditions. An algorithm developed to predict the effect of missense changes on protein structure and function outputs the following: PolyPhen-2: "Benign". The lysine amino acid residue is found in multiple mammalian species, which suggests that this missense change does not adversely affect protein function. In summary, the available evidence is currently insufficient to determine the role of this variant in disease. Therefore, it has been classified as a Variant of Uncertain Significance.